The following is an entry in ClinVar:

NM_001083962.2(TCF4):c.569G>A (p.Ser190Asn)

Gene: TCF4 (transcription factor 4; minus strand). Cytogenetic location: 18q21.2.
Variant type: single nucleotide variant.
Coding change: c.569G>A on transcript NM_001083962.2 (MANE Select); coding-DNA position 569, G replaced by A.
Protein change: p.Ser190Asn; replaces serine 190 with asparagine.
Molecular consequence: missense variant. On other transcripts: 5 prime UTR variant (1).
Genome position (GRCh38, 1-based): chr18:55,279,637, C>T on the plus strand (G>A on the coding strand, the complement: TCF4 is on the minus strand). VCF-style: chr18-55279637-C-T. GRCh37 (hg19) VCF-style: chr18-52946868-C-T.
Other names: c.566G>A, p.Ser189Asn (NM_001369573.1, NM_001369569.1, NM_001369570.1); c.569G>A, p.Ser190Asn (NM_001369574.1, NM_003199.3, NM_001330604.3 and 4 more transcripts); c.497G>A, p.Ser166Asn (NM_001369575.1, NM_001369577.1, NM_001369579.1 and 9 more transcripts); c.494G>A, p.Ser165Asn (NM_001369576.1, NM_001369578.1, NM_001369581.1 and 3 more transcripts); c.875G>A, p.Ser292Asn (NM_001243226.3); c.587G>A, p.Ser196Asn (NM_001243228.2); c.563G>A, p.Ser188Asn (NM_001243230.2); c.443G>A, p.Ser148Asn (NM_001243231.2, NM_001348211.2); and 4 more; short protein forms S148N, S188N, S60N, S166N, S196N, S292N, S165N, S119N.
Identifiers: ClinVar variation 1749134 (VCV001749134.2), dbSNP rs1194038204, ClinGen allele CA402701896.

ClinVar aggregate classification (germline): Uncertain significance (1 of 4 stars; one submission).

Conditions:
Inborn genetic diseases. Identifiers: MedGen C0950123, MeSH D030342.

Allele frequency attached by ClinVar (database versions not stated): gnomAD exomes below 0.00001; gnomAD 0.00001.
gnomAD v4.1: 3 of 1,613,826 alleles (0.00019%); highest among the groups gnomAD compares: African/African-American, 0.004%; no homozygotes.

Submission:

Ambry Genetics
Classification: Uncertain significance for Inborn genetic diseases. Last evaluated: 2019-09-29. Review status: criteria provided, single submitter. Criteria: Ambry Variant Classification Scheme 2023. Collection method: clinical testing. Allele origin: germline.
Comment: The p.S190N variant (also known as c.569G>A), located in coding exon 8 of the TCF4 gene, results from a G to A substitution at nucleotide position 569. The serine at codon 190 is replaced by asparagine, an amino acid with highly similar properties. This amino acid position is highly conserved in available vertebrate species. In addition, this alteration is predicted to be tolerated by in silico analysis. Since supporting evidence is limited at this time, the clinical significance of this alteration remains unclear.